The following is an entry in ClinVar:

NM_000424.4(KRT5):c.508G>A (p.Glu170Lys)

Gene: KRT5 (keratin 5; minus strand). Cytogenetic location: 12q13.13.
Variant type: single nucleotide variant.
Coding change: c.508G>A on transcript NM_000424.4 (MANE Select); coding-DNA position 508, G replaced by A.
Protein change: p.Glu170Lys; replaces glutamic acid 170 with lysine.
Molecular consequence: missense variant.
Genome position (GRCh38, 1-based): chr12:52,519,789, C>T on the plus strand (G>A on the coding strand, the complement: KRT5 is on the minus strand). VCF-style: chr12-52519789-C-T. GRCh37 (hg19) VCF-style: chr12-52913573-C-T.
Other names: short protein forms E170K.
Identifiers: ClinVar variation 14657 (VCV000014657.15), dbSNP rs59115483, ClinGen allele CA216731.

ClinVar aggregate classification (germline): Pathogenic. Review status: criteria provided, multiple submitters, no conflicts (2 of 4 stars). 7 submissions from 7 submitters: Pathogenic (5). 2 of the submissions do not count toward it. Last evaluated 2025-12-30.

Conditions:
KRT5-related disorder. Also called: KRT5-related condition.
Epidermolysis bullosa simplex 2C, localized (EBS2C). Also called: Epidermolysis bullosa simplex 2C, Weber-Cockayne type. Identifiers: MedGen C5562011, MONDO:0030527, OMIM 619594.
Epidermolysis bullosa simplex. Also called: Epidermolysis bullosa simplex, Weber-Cockayne type (subtype); Epidermolysis bullosa simplex, Dowling-Meara type (subtype); Epidermolysis bullosa simplex with mottled pigmentation (subtype). Identifiers: Orphanet 304, MedGen C0079298, MONDO:0017610.

Allele frequency attached by ClinVar (database versions not stated): TOPMed below 0.00001; ExAC 0.00001; gnomAD 0.00001; gnomAD exomes 0.00002.
gnomAD v4.1: 26 of 1,613,946 alleles (0.0016%); highest among the groups gnomAD compares: Admixed American, 0.0017%; no homozygotes.

Submissions (7):

PreventionGenetics, part of Exact Sciences
Classification: Pathogenic for KRT5-related condition. Last evaluated: 2025-12-30. Review status: criteria provided, single submitter. Criteria: ACMG Guidelines, 2015. Collection method: clinical testing. Allele origin: germline.
Comment: The KRT5 c.508G>A variant is predicted to result in the amino acid substitution p.Glu170Lys. This variant has been reported in the heterozygous, compound heterozygous, and homozygous states in individuals with epidermolysis bullosa simplex (EBS) and segregated with disease in the affected family members (for example, see Yasukawa et al. 2002. PubMed ID: 11973334; Ołdak et al. 2011. PubMed ID: 21144712; Wertheim-Tysarowska et al. 2016. PubMed ID: 26432462; González-Cantero et al. 2017. PubMed ID: 28425111). Fluorescent confocal microscopy of affected patient tissues revealed that this variant leads to increased formation of keratin aggregates and disruption of the epidermal keratin filament network (Yasukawa et al. 2002. PubMed ID: 11973334). This variant is reported in 0.0080% of alleles in individuals of African descent in gnomAD. Of note, a different missense variant at the same amino acid position (p.Glu170Gly) has also been reported in individuals with an EBS phenotype (Family 18 in Table S1, Rugg et al. 2007. PubMed ID: 17039244). Taken together, the p.Glu170Lys variant is interpreted as pathogenic.

GeneDx
Classification: Pathogenic. Last evaluated: 2023-06-07. Review status: criteria provided, single submitter. Criteria: GeneDx Variant Classification Process June 2021. Collection method: clinical testing. Allele origin: germline. Affected: yes.
Comment: Published functional studies demonstrate a damaging effect due to disruption of keratin intermediate filament alignment and formation, leading to cytoplasmic aggregates and a weakened cytoskeleton (Yasukawa et al., 2002); Located in the highly conserved helix initiation motif of the alpha-helical rod domain, which is intolerant to change; variants in this motif interfere with proper keratin intermediate filament assembly and function, resulting in skin fragility and/or hyperkeratosis (Chamcheu et al., 2011); In silico analysis supports that this missense variant has a deleterious effect on protein structure/function; This variant is associated with the following publications: (PMID: 20055872, 20030639, 31302245, 26432462, 17549391, 11990248, 21144712, 26707537, 28425111, 31589614, 12707098, 18704110, 16786515, 21176769, 11973334)

Clinical Genetics Laboratory, Skane University Hospital Lund
Classification: Pathogenic. Last evaluated: 2023-03-21. Review status: criteria provided, single submitter. Criteria: ACMG Guidelines, 2015. Collection method: clinical testing. Allele origin: germline. Affected: yes.

Blueprint Genetics
Classification: Pathogenic for KRT5-related disorders. Last evaluated: 2020-01-06. Review status: criteria provided, single submitter. Criteria: ACMG Guidelines, 2015. Collection method: clinical testing. Allele origin: germline. Affected: yes. Observed: 1 variant allele.

Biomedical Innovation Departament, CIEMAT
Classification: Pathogenic for Simplex epidermolysis bullosa. Last evaluated: 2010-02-18. Review status: criteria provided, single submitter. Criteria: ACMG Guidelines, 2015. Collection method: research. Allele origin: germline. Affected: yes. Observed: 1 variant allele.

OMIM
Classification: Pathogenic for EPIDERMOLYSIS BULLOSA SIMPLEX 2C, LOCALIZED. Last evaluated: 2011-01-01. Review status: no assertion criteria provided. Collection method: literature only. Allele origin: germline. Not counted in ClinVar's aggregate classification.

Epithelial Biology;  Institute of Medical Biology, Singapore
No classification provided. Review status: no classification provided. Collection method: not provided. Allele origin: not provided. Not counted in ClinVar's aggregate classification.

Literature cited by the submitters: PubMed 18384561 (cited by Biomedical Innovation Departament, CIEMAT); PubMed 11973334 (cited by OMIM); PubMed 21144712 (cited by OMIM); PubMed 28425111 (cited by OMIM); PubMed 31302245 (cited by OMIM).